The following is an entry in ClinVar:

ClinVar aggregate classification (germline): Uncertain significance. Review status: criteria provided, single submitter (1 of 4 stars). 2 submissions from 2 submitters: Uncertain significance (1). 1 of the submissions does not count toward it. Last evaluated 2021-08-24.

Conditions:
Neuromuscular disease caused by qualitative or quantitative defects of dysferlin. Also called: Dysferlinopathy; Qualitative or quantitative defects of dysferlin. Identifiers: Orphanet 207073, MedGen C2931687, MONDO:0016145.
Autosomal recessive limb-girdle muscular dystrophy type 2B (LGMDR2). Also called: Limb-girdle muscular dystrophy, type 2B; MUSCULAR DYSTROPHY, LIMB-GIRDLE, TYPE 3; Limb-Girdle Muscular Dystrophy Type 2B (LGMD2B); MUSCULAR DYSTROPHY, LIMB-GIRDLE, AUTOSOMAL RECESSIVE 2. Identifiers: Orphanet 268, MedGen C1850889, MONDO:0009676, OMIM 253601.

Allele frequency attached by ClinVar (database versions not stated): TOPMed below 0.00001.
gnomAD v4.1: 1 of 1,613,852 alleles (0.000062%); highest among the groups gnomAD compares: Admixed American, 0.0017%; no homozygotes.

Submissions (2):

Labcorp Genetics (formerly Invitae), Labcorp
Classification: Uncertain significance for Neuromuscular disease caused by qualitative or quantitative defects of dysferlin. Last evaluated: 2021-08-24. Review status: criteria provided, single submitter. Criteria: Invitae Variant Classification Sherloc (09022015). Collection method: clinical testing. Allele origin: germline.
Comment: This sequence change replaces aspartic acid with valine at codon 1170 of the DYSF protein (p.Asp1170Val). The aspartic acid residue is moderately conserved and there is a large physicochemical difference between aspartic acid and valine. This variant is not present in population databases (ExAC no frequency). This variant has not been reported in the literature in individuals affected with DYSF-related conditions. Algorithms developed to predict the effect of missense changes on protein structure and function are either unavailable or do not agree on the potential impact of this missense change (SIFT: "Deleterious"; PolyPhen-2: "Probably Damaging"; Align-GVGD: "Class C0"). Algorithms developed to predict the effect of sequence changes on RNA splicing suggest that this variant may create or strengthen a splice site. In summary, the available evidence is currently insufficient to determine the role of this variant in disease. Therefore, it has been classified as a Variant of Uncertain Significance.

Natera, Inc.
Classification: Uncertain significance for Limb-girdle muscular dystrophy type 2B. Last evaluated: 2021-06-25. Review status: no assertion criteria provided. Collection method: clinical testing. Allele origin: germline. Not counted in ClinVar's aggregate classification.

NM_001130987.2(DYSF):c.3563A>T (p.Asp1188Val)

Gene: DYSF (dysferlin; plus strand). Cytogenetic location: 2p13.2.
Variant type: single nucleotide variant.
Coding change: c.3563A>T on transcript NM_001130987.2 (MANE Select); coding-DNA position 3563, A replaced by T.
Protein change: p.Asp1188Val; replaces aspartic acid 1188 with valine.
Molecular consequence: missense variant.
Genome position (GRCh38, 1-based): chr2:71,590,277, A>T. VCF-style: chr2-71590277-A-T. GRCh37 (hg19) VCF-style: chr2-71817407-A-T.
Other names: c.3512A>T, p.Asp1171Val (NM_001130455.2, NM_001130983.2); c.3467A>T, p.Asp1156Val (NM_001130976.2, NM_001130977.2); c.3509A>T, p.Asp1170Val (NM_001130978.2, NM_003494.4); c.3602A>T, p.Asp1201Val (NM_001130979.2); c.3560A>T, p.Asp1187Val (NM_001130980.2, NM_001130981.2); c.3605A>T, p.Asp1202Val (NM_001130982.2); c.3470A>T, p.Asp1157Val (NM_001130984.2, NM_001130986.2); c.3563A>T, p.Asp1188Val (NM_001130985.2); short protein forms D1170V, D1188V, D1187V, D1156V, D1157V, D1171V, D1201V, D1202V.
Identifiers: ClinVar variation 538626 (VCV000538626.7), dbSNP rs1442583354, ClinGen allele CA347220862.